The following is an entry in ClinVar:

ClinVar aggregate classification (germline): Conflicting classifications of pathogenicity. Review status: criteria provided, conflicting classifications (1 of 4 stars). 2 submissions from 2 submitters: Uncertain significance (1); Likely benign (1). Last evaluated 2026-05-19.

Conditions:
Hereditary cancer-predisposing syndrome. Also called: Hereditary neoplastic syndrome; Tumor predisposition; Hereditary Cancer Syndrome; Neoplastic Syndromes, Hereditary. Identifiers: Orphanet 140162, MedGen C0027672, MeSH D009386, MONDO:0015356.

Submissions (2):

Ambry Genetics
Classification: Likely benign for Hereditary cancer-predisposing syndrome. Last evaluated: 2026-05-19. Review status: criteria provided, single submitter. Criteria: Ambry Variant Classification Scheme 2023. Collection method: clinical testing. Allele origin: germline.

Quest Diagnostics Nichols Institute San Juan Capistrano
Classification: Uncertain significance. Last evaluated: 2024-10-25. Review status: criteria provided, single submitter. Criteria: Quest Diagnostics criteria. Collection method: clinical testing. Allele origin: unknown.
Comment: The FANCC c.1443T>A (p.Ala481=) synonymous variant has not been reported in individuals with FANCC-related conditions in the published literature. It also has not been reported in large, multi-ethnic general populations (Genome Aggregation Database). Analysis of this variant using software algorithms for the prediction of the effect of nucleotide changes on splicing yielded predictions that this variant does not affect FANCC mRNA splicing. Based on the available information, we are unable to determine the clinical significance of this variant.

NM_000136.3(FANCC):c.1443T>A (p.Ala481=)

Genes: AOPEP (aminopeptidase O (putative); plus strand), FANCC (FA complementation group C; minus strand). Cytogenetic location: 9q22.32.
Variant type: single nucleotide variant.
Coding change: c.1443T>A on transcript NM_000136.3 (MANE Select); coding-DNA position 1443, T replaced by A.
Protein change: p.Ala481=; no amino-acid change (alanine 481 retained).
Molecular consequence: synonymous variant.
Genome position (GRCh38, 1-based): chr9:95,107,156, A>T on the plus strand (T>A on the coding strand, the complement: FANCC is on the minus strand). VCF-style: chr9-95107156-A-T. GRCh37 (hg19) VCF-style: chr9-97869438-A-T.
Other names: c.1443T>A, p.Ala481= (NM_001243743.2).
Identifiers: ClinVar variation 3572418 (VCV003572418.2).